The following is an entry in ClinVar:

ClinVar aggregate classification (germline): Likely pathogenic (1 of 4 stars; one submission).

Conditions:
Hereditary breast ovarian cancer syndrome. Also called: Hereditary breast and ovarian cancer syndrome; Hereditary breast and ovarian cancer syndrome (HBOC); Hereditary breast and/or ovarian cancer syndrome; Hereditary breast and ovarian cancer; Breast and ovarian cancer; BRCA1- and BRCA2-Associated Hereditary Breast and Ovarian Cancer. Identifiers: Orphanet 145, MedGen C0677776, MeSH D061325, MONDO:0003582. Disease mechanism: loss of function.

Submission:

Women's Health and Genetics/Laboratory Corporation of America, LabCorp
Classification: Likely pathogenic for Hereditary breast and ovarian cancer syndrome. Last evaluated: 2019-04-16. Review status: criteria provided, single submitter. Criteria: LabCorp Variant Classification Summary - May 2015. Collection method: clinical testing. Allele origin: germline.
Comment: Variant summary: BRCA2 c.707delA (p.His236LeufsX5) results in a premature termination codon, predicted to cause a truncation of the encoded protein or absence of the protein due to nonsense mediated decay, which are commonly known mechanisms for disease. Truncations downstream of this position have been classified as pathogenic by our laboratory (c.956dupA, p.Asn319fsX8; c.1103C>G, p.Ser368X; c.1654delT, p.Ser552fsX6). The variant was absent in 250212 control chromosomes (gnomAD). To our knowledge, no occurrence of c.707delA in individuals affected with Hereditary Breast and Ovarian Cancer and no experimental evidence demonstrating its impact on protein function have been reported. No clinical diagnostic laboratories have submitted clinical-significance assessments for this variant to ClinVar after 2014. Based on the evidence outlined above, the variant was classified as likely pathogenic.

NM_000059.4(BRCA2):c.707del (p.His236fs)

Gene: BRCA2 (BRCA2 DNA repair associated; plus strand). Cytogenetic location: 13q13.1.
Variant type: Deletion.
Coding change: c.707del on transcript NM_000059.4 (MANE Select); coding-DNA position 707, one base deleted (A; older notation c.707delA).
Protein change: p.His236fs; shifts the reading frame from histidine 236.
Molecular consequence: frameshift variant.
Genome position (GRCh38, 1-based): chr13:32,330,944, A deleted. VCF-style (leftmost placement, unchanged base first): chr13-32330943-CA-C. GRCh37 (hg19) VCF-style: chr13-32905080-CA-C.
Other names: short protein forms H236fs.
Identifiers: ClinVar variation 928755 (VCV000928755.1), dbSNP rs2072385245, ClinGen allele CA1139663098.